The following is an entry in ClinVar:

NM_025099.6(CTC1):c.3176G>A (p.Gly1059Asp)

Gene: CTC1 (CST telomere replication complex component 1; minus strand). Cytogenetic location: 17p13.1.
Variant type: single nucleotide variant.
Coding change: c.3176G>A on transcript NM_025099.6 (MANE Select); coding-DNA position 3176, G replaced by A.
Protein change: p.Gly1059Asp; replaces glycine 1059 with aspartic acid.
Molecular consequence: missense variant.
Genome position (GRCh38, 1-based): chr17:8,229,187, C>T on the plus strand (G>A on the coding strand, the complement: CTC1 is on the minus strand). VCF-style: chr17-8229187-C-T. GRCh37 (hg19) VCF-style: chr17-8132505-C-T.
Other names: short protein forms G1059D.
Identifiers: ClinVar variation 1507107 (VCV001507107.3), dbSNP rs957741030, ClinGen allele CA397969771.

ClinVar aggregate classification (germline): Uncertain significance (1 of 4 stars; one submission).

Conditions:
Dyskeratosis congenita. Identifiers: Orphanet 1775, MedGen C0265965, MONDO:0015780.

Submission:

Labcorp Genetics (formerly Invitae), Labcorp
Classification: Uncertain significance for Dyskeratosis congenita. Last evaluated: 2022-01-27. Review status: criteria provided, single submitter. Criteria: Invitae Variant Classification Sherloc (09022015). Collection method: clinical testing. Allele origin: germline.
Comment: This sequence change replaces glycine, which is neutral and non-polar, with aspartic acid, which is acidic and polar, at codon 1059 of the CTC1 protein (p.Gly1059Asp). This variant is not present in population databases (gnomAD no frequency). This variant has not been reported in the literature in individuals affected with CTC1-related conditions. Algorithms developed to predict the effect of missense changes on protein structure and function output the following: SIFT: "Tolerated"; PolyPhen-2: "Benign"; Align-GVGD: "Class C0". The aspartic acid amino acid residue is found in multiple mammalian species, which suggests that this missense change does not adversely affect protein function. In summary, the available evidence is currently insufficient to determine the role of this variant in disease. Therefore, it has been classified as a Variant of Uncertain Significance.